The following is an entry in ClinVar:

ClinVar aggregate classification (germline): Uncertain significance (1 of 4 stars; one submission).

Submission:

GeneDx
Classification: Uncertain significance. Last evaluated: 2026-01-21. Review status: criteria provided, single submitter. Criteria: GeneDx Variant Classification Process June 2021. Collection method: clinical testing. Allele origin: germline.
Comment: Not observed at significant frequency in large population cohorts (gnomAD); In silico analysis supports a deleterious effect on splicing; Has not been previously published as pathogenic or benign to our knowledge

NM_007327.4(GRIN1):c.1113+5G>C

Gene: GRIN1 (glutamate ionotropic receptor NMDA type subunit 1; plus strand). Cytogenetic location: 9q34.3.
Variant type: single nucleotide variant.
Coding change: c.1113+5G>C on transcript NM_007327.4 (MANE Select); 5 bases into the intron after coding-DNA position 1113, G replaced by C.
Molecular consequence: intron variant.
Genome position (GRCh38, 1-based): chr9:137,158,528, G>C. VCF-style: chr9-137158528-G-C. GRCh37 (hg19) VCF-style: chr9-140052980-G-C.
Other names: c.1176+5G>C (NM_001437330.1, NM_001185090.2, NM_001437331.1 and 1 more transcripts); c.1113+5G>C (NM_021569.4, NM_000832.7).
Identifiers: ClinVar variation 4975399 (VCV004975399.1).